The following is an entry in ClinVar:

ClinVar aggregate classification (germline): Pathogenic (1 of 4 stars; one submission).

Submission:

Labcorp Genetics (formerly Invitae), Labcorp
Classification: Pathogenic. Last evaluated: 2022-10-19. Review status: criteria provided, single submitter. Criteria: Invitae Variant Classification Sherloc (09022015). Collection method: clinical testing. Allele origin: unknown.
Comment: For these reasons, this variant has been classified as Pathogenic. This variant has not been reported in the literature in individuals affected with USH2A-related conditions. This variant is a gross deletion of the genomic region encompassing exon(s) 35-44 of the USH2A gene. This deletion is out-of-frame, and is expected to create a premature termination codon and result in an absent or disrupted protein product. Loss-of-function variants in USH2A are known to be pathogenic (PMID: 10729113, 10909849, 20507924, 25649381).

Literature cited by the submitters: PubMed 10729113; PubMed 10909849; PubMed 20507924; PubMed 25649381.

NC_000001.10:g.(?_216039721)_(216166529_?)del

Gene: USH2A (usherin; minus strand). Cytogenetic location: 1q41.
Variant type: Deletion.
Identifiers: ClinVar variation 3248060 (VCV003248060.1).